The following is an entry in ClinVar:

NM_000092.5(COL4A4):c.4189C>T (p.Pro1397Ser)

Gene: COL4A4 (collagen type IV alpha 4 chain; minus strand). Cytogenetic location: 2q36.3.
Variant type: single nucleotide variant.
Coding change: c.4189C>T on transcript NM_000092.5 (MANE Select); coding-DNA position 4189, C replaced by T.
Protein change: p.Pro1397Ser; replaces proline 1397 with serine.
Molecular consequence: missense variant.
Genome position (GRCh38, 1-based): chr2:227,022,075, G>A on the plus strand (C>T on the coding strand, the complement: COL4A4 is on the minus strand). VCF-style: chr2-227022075-G-A. GRCh37 (hg19) VCF-style: chr2-227886791-G-A.
Other names: short protein forms P1397S.
Identifiers: ClinVar variation 3714297 (VCV003714297.2).
Genomic context (GRCh38, chr2:227,022,075, plus strand): 5'-GAAAATAATGAACAATCAGCATGCGGCTCATACCTGGTCCTGAGGGGCCTCTCATTCCAG[G>A]GAGCCCCATGGCTCCTTCTGGTCCTCTCATGCCTGGCGCCCCAGGAAGGCCTGGGATTCG-3'
Protein context (NP_000083.3, residues 1387-1407): MRGPEGAMGL[Pro1397Ser]GMRGPSGPGC

ClinVar aggregate classification (germline): Uncertain significance (1 of 4 stars; one submission).

gnomAD v4.1: 1 of 1,614,046 alleles (0.000062%); highest among the groups gnomAD compares: African/African-American, 0.0013%; no homozygotes.

Submission:

Labcorp Genetics (formerly Invitae), Labcorp
Classification: Uncertain significance. Last evaluated: 2024-10-30. Review status: criteria provided, single submitter. Criteria: Invitae Variant Classification Sherloc (09022015). Collection method: clinical testing. Allele origin: germline.
Comment: This sequence change replaces proline, which is neutral and non-polar, with serine, which is neutral and polar, at codon 1397 of the COL4A4 protein (p.Pro1397Ser). This variant is not present in population databases (gnomAD no frequency). This variant has not been reported in the literature in individuals affected with COL4A4-related conditions. Invitae Evidence Modeling of protein sequence and biophysical properties (such as structural, functional, and spatial information, amino acid conservation, physicochemical variation, residue mobility, and thermodynamic stability) indicates that this missense variant is not expected to disrupt COL4A4 protein function with a negative predictive value of 95%. In summary, the available evidence is currently insufficient to determine the role of this variant in disease. Therefore, it has been classified as a Variant of Uncertain Significance.